The following is an entry in ClinVar:

NM_001127198.5(TMC6):c.1493C>T (p.Pro498Leu)

Gene: TMC6 (transmembrane channel like 6; minus strand). Cytogenetic location: 17q25.3.
Variant type: single nucleotide variant.
Coding change: c.1493C>T on transcript NM_001127198.5 (MANE Select); coding-DNA position 1493, C replaced by T.
Protein change: p.Pro498Leu; replaces proline 498 with leucine.
Molecular consequence: missense variant.
Genome position (GRCh38, 1-based): chr17:78,121,055, G>A on the plus strand (C>T on the coding strand, the complement: TMC6 is on the minus strand). VCF-style: chr17-78121055-G-A. GRCh37 (hg19) VCF-style: chr17-76117136-G-A.
Other names: c.1493C>T, p.Pro498Leu (NM_001321185.1, NM_001374593.1, NM_001374594.1 and 4 more transcripts); c.1493C>T (NM_007267.6); short protein forms P498L.
Identifiers: ClinVar variation 852772 (VCV000852772.12), dbSNP rs772074105, ClinGen allele CA8795732.

ClinVar aggregate classification (germline): Uncertain significance. Review status: criteria provided, multiple submitters, no conflicts (2 of 4 stars). 2 submissions from 2 submitters: Uncertain significance (2). Last evaluated 2025-08-21.

Conditions:
Inborn genetic diseases. Identifiers: MedGen C0950123, MeSH D030342.
Epidermodysplasia verruciformis. Identifiers: Orphanet 302, MedGen C0014522, MONDO:0009176.

Allele frequency attached by ClinVar (database versions not stated): TOPMed 0.00002; ExAC 0.00003; gnomAD 0.00003; gnomAD exomes 0.00004.
gnomAD v4.1: 28 of 1,613,156 alleles (0.0017%); highest among the groups gnomAD compares: South Asian, 0.0033%; no homozygotes.

Submissions (2):

Ambry Genetics
Classification: Uncertain significance for Inborn genetic diseases. Last evaluated: 2025-08-21. Review status: criteria provided, single submitter. Criteria: Ambry Variant Classification Scheme 2023. Collection method: clinical testing. Allele origin: germline.

Labcorp Genetics (formerly Invitae), Labcorp
Classification: Uncertain significance for Epidermodysplasia verruciformis. Last evaluated: 2024-04-05. Review status: criteria provided, single submitter. Criteria: Invitae Variant Classification Sherloc (09022015). Collection method: clinical testing. Allele origin: germline.
Comment: This sequence change replaces proline, which is neutral and non-polar, with leucine, which is neutral and non-polar, at codon 498 of the TMC6 protein (p.Pro498Leu). This variant is present in population databases (rs772074105, gnomAD 0.007%). This variant has not been reported in the literature in individuals affected with TMC6-related conditions. ClinVar contains an entry for this variant (Variation ID: 852772). An algorithm developed to predict the effect of missense changes on protein structure and function (PolyPhen-2) suggests that this variant¬†is likely to be tolerated. In summary, the available evidence is currently insufficient to determine the role of this variant in disease. Therefore, it has been classified as a Variant of Uncertain Significance.